The following is an entry in ClinVar:

ClinVar aggregate classification (germline): Uncertain significance (1 of 4 stars; one submission).

Submission:

GeneDx
Classification: Uncertain significance. Last evaluated: 2017-06-30. Review status: criteria provided, single submitter. Criteria: GeneDx Variant Classification (06012015). Collection method: clinical testing. Allele origin: germline. Affected: yes.
Comment: A variant of uncertain significance has been identified in the BRWD3 gene. The c.2551 A>G variant has not been published as a pathogenic variant, nor has it been reported as a benign variant to our knowledge. The c.2551 A>G variant is not observed in large population cohorts (Lek et al., 2016; 1000 Genomes Consortium et al., 2015; Exome Variant Server). Several in-silico splice prediction models predict that c.2551 A>G may damage or destroy the natural splice donor site and lead to abnormal gene splicing; however, in the absence of RNA/functional studies, the actual effect of this sequence change in this individual is unknown. If c.2551 A>G does not alter splicing, it will result in the S851G missense change, which is a non-conservative amino acid substitution that is likely to impact secondary protein structure as these residues differ in polarity, charge, size and/or other properties. In silico analysis predicts this variant is probably damaging to the protein structure/function. However, S851 is not conserved. Therefore, based on the currently available information, it is unclear whether this variant is a pathogenic variant or a rare benign variant.

NM_153252.5(BRWD3):c.2551A>G (p.Ser851Gly)

Gene: BRWD3 (bromodomain and WD repeat domain containing 3; minus strand). Cytogenetic location: Xq21.1.
Variant type: single nucleotide variant.
Coding change: c.2551A>G on transcript NM_153252.5 (MANE Select); coding-DNA position 2551, A replaced by G.
Protein change: p.Ser851Gly; replaces serine 851 with glycine.
Molecular consequence: missense variant.
Genome position (GRCh38, 1-based): chrX:80,707,428, T>C on the plus strand (A>G on the coding strand, the complement: BRWD3 is on the minus strand). VCF-style: chrX-80707428-T-C. GRCh37 (hg19) VCF-style: chrX-79962927-T-C.
Other names: short protein forms S851G.
Identifiers: ClinVar variation 450047 (VCV000450047.2), dbSNP rs1555968137, ClinGen allele CA413628872.
Genomic context (GRCh38, chrX:80,707,428, plus strand): 5'-CATAATTTCGTATTAAAACTGTTCAATAATTTTGACCAAATTAAAACCATTAAAACTACC[T>C]GGAAGAACTTTCACTTTGCCATTCAACAACAGGATCCTCTACCGAAGCGTCACTTGTGCC-3'
Protein context (NP_694984.5, residues 841-861): VVEWQSESSS[Ser851Gly]DSSSEYSDWT